The following is an entry in ClinVar:

NM_000059.4(BRCA2):c.33T>G (p.Phe11Leu)

Gene: BRCA2 (BRCA2 DNA repair associated; plus strand). Cytogenetic location: 13q13.1.
Variant type: single nucleotide variant.
Coding change: c.33T>G on transcript NM_000059.4 (MANE Select); coding-DNA position 33, T replaced by G.
Protein change: p.Phe11Leu; replaces phenylalanine 11 with leucine.
Molecular consequence: missense variant.
Genome position (GRCh38, 1-based): chr13:32,316,493, T>G. VCF-style: chr13-32316493-T-G. GRCh37 (hg19) VCF-style: chr13-32890630-T-G.
Other names: short protein forms F11L.
Identifiers: ClinVar variation 483127 (VCV000483127.16), dbSNP rs1555280103, ClinGen allele CA387752999.

ClinVar aggregate classification (germline): Uncertain significance. Review status: criteria provided, multiple submitters, no conflicts (2 of 4 stars). 3 submissions from 3 submitters: Uncertain significance (3). Last evaluated 2025-12-09.

Conditions:
Hereditary cancer-predisposing syndrome. Also called: Neoplastic Syndromes, Hereditary; Tumor predisposition; Hereditary Cancer Syndrome; Hereditary neoplastic syndrome. Identifiers: Orphanet 140162, MedGen C0027672, MeSH D009386, MONDO:0015356.
Hereditary breast ovarian cancer syndrome. Also called: Hereditary breast and ovarian cancer syndrome; Hereditary breast and ovarian cancer; Hereditary breast and ovarian cancer syndrome (HBOC); Breast and ovarian cancer; Hereditary breast and/or ovarian cancer syndrome; BRCA1- and BRCA2-Associated Hereditary Breast and Ovarian Cancer. Identifiers: Orphanet 145, MedGen C0677776, MeSH D061325, MONDO:0003582. Disease mechanism: loss of function.

Submissions (3):

Ambry Genetics
Classification: Uncertain significance for Hereditary cancer-predisposing syndrome. Last evaluated: 2025-12-09. Review status: criteria provided, single submitter. Criteria: Ambry Variant Classification Scheme 2023. Collection method: clinical testing. Allele origin: germline.
Comment: The p.F11L variant (also known as c.33T>G), located in coding exon 1 of the BRCA2 gene, results from a T to G substitution at nucleotide position 33. The phenylalanine at codon 11 is replaced by leucine, an amino acid with highly similar properties. This amino acid position is well conserved in available vertebrate species. In addition, this alteration is predicted to be tolerated by in silico analysis. Since supporting evidence is limited at this time, the clinical significance of this alteration remains unclear.

Quest Diagnostics Nichols Institute San Juan Capistrano
Classification: Uncertain significance. Last evaluated: 2025-03-14. Review status: criteria provided, single submitter. Criteria: Quest Diagnostics criteria. Collection method: clinical testing. Allele origin: unknown.
Comment: The BRCA2 c.33T>G (p.Phe11Leu) variant has not been reported in individuals with BRCA2-related conditions in the published literature. It also has not been reported in large, multi-ethnic general populations (Genome Aggregation Database). Analysis of this variant using bioinformatics tools for the prediction of the effect of amino acid changes on protein structure and function yielded predictions that this variant is benign. Based on the available information, we are unable to determine the clinical significance of this variant.

Labcorp Genetics (formerly Invitae), Labcorp
Classification: Uncertain significance for Hereditary breast ovarian cancer syndrome. Last evaluated: 2025-01-21. Review status: criteria provided, single submitter. Criteria: Invitae Variant Classification Sherloc (09022015). Collection method: clinical testing. Allele origin: germline.
Comment: This sequence change replaces phenylalanine, which is neutral and non-polar, with leucine, which is neutral and non-polar, at codon 11 of the BRCA2 protein (p.Phe11Leu). This variant is not present in population databases (gnomAD no frequency). This variant has not been reported in the literature in individuals affected with BRCA2-related conditions. ClinVar contains an entry for this variant (Variation ID: 483127). Invitae Evidence Modeling of protein sequence and biophysical properties (such as structural, functional, and spatial information, amino acid conservation, physicochemical variation, residue mobility, and thermodynamic stability) indicates that this missense variant is not expected to disrupt BRCA2 protein function with a negative predictive value of 95%. In summary, the available evidence is currently insufficient to determine the role of this variant in disease. Therefore, it has been classified as a Variant of Uncertain Significance.